The following is an entry in ClinVar:

NM_001267550.2(TTN):c.69860G>A (p.Trp23287Ter)

Genes: TTN (titin; minus strand), TTN-AS1 (TTN antisense RNA 1; plus strand), LOC126806422 (BRD4-independent group 4 enhancer GRCh37_chr2:179440205-179441404; plus strand). Cytogenetic location: 2q31.2.
Variant type: single nucleotide variant.
Coding change: c.69860G>A on transcript NM_001267550.2 (MANE Select); coding-DNA position 69860, G replaced by A.
Protein change: p.Trp23287Ter; replaces tryptophan 23287 with a stop codon.
Molecular consequence: nonsense.
Genome position (GRCh38, 1-based): chr2:178,576,272, C>T on the plus strand (G>A on the coding strand, the complement: TTN is on the minus strand). VCF-style: chr2-178576272-C-T. GRCh37 (hg19) VCF-style: chr2-179440999-C-T.
Other names: c.64937G>A, p.Trp21646Ter (NM_001256850.1); c.42665G>A, p.Trp14222Ter (NM_003319.4); c.62156G>A, p.Trp20719Ter (NM_133378.4); c.43040G>A, p.Trp14347Ter (NM_133432.3); c.43241G>A, p.Trp14414Ter (NM_133437.4); short protein forms W14222*, W14414*, W14347*, W21646*, W23287*, W20719*.
Identifiers: ClinVar variation 1485923 (VCV001485923.8), dbSNP rs869067204, ClinGen allele CA61003658.

ClinVar aggregate classification (germline): Likely pathogenic. Review status: criteria provided, multiple submitters, no conflicts (2 of 4 stars). 3 submissions from 3 submitters: Likely pathogenic (3). Last evaluated 2024-10-25.

Conditions:
Cardiovascular phenotype. Identifiers: MedGen CN230736.
TTN-related disorder. Also called: TTN-related condition; TTN-related disease; TTN-related disorders.
Dilated cardiomyopathy 1G (CMD1G). Identifiers: Orphanet 154, MedGen C1858763, MONDO:0011400, OMIM 604145.
Autosomal recessive limb-girdle muscular dystrophy type 2J (LGMDR10). Also called: MUSCULAR DYSTROPHY, LIMB-GIRDLE, AUTOSOMAL RECESSIVE 10; Limb-girdle muscular dystrophy, type 2J. Identifiers: Orphanet 140922, MedGen C1837342, MONDO:0012127, OMIM 608807.

Submissions (3):

Blueprint Genetics
Classification: Likely pathogenic for TTN-related disorders. Last evaluated: 2024-10-25. Review status: criteria provided, single submitter. Criteria: ACMG Guidelines, 2015. Collection method: clinical testing. Allele origin: germline. Affected: yes. Observed: 5 variant alleles.

Labcorp Genetics (formerly Invitae), Labcorp
Classification: Likely pathogenic for Dilated cardiomyopathy 1G; Autosomal recessive limb-girdle muscular dystrophy type 2J. Last evaluated: 2023-05-08. Review status: criteria provided, single submitter. Criteria: Invitae Variant Classification Sherloc (09022015). Collection method: clinical testing. Allele origin: germline.
Comment: ClinVar contains an entry for this variant (Variation ID: 1485923). In summary, the currently available evidence indicates that the variant is pathogenic, but additional data are needed to prove that conclusively. Therefore, this variant has been classified as Likely Pathogenic. This variant is located in the A band of TTN (PMID: 25589632). Truncating variants in this region are significantly overrepresented in patients affected with dilated cardiomyopathy (PMID: 25589632). Truncating variants in this region have also been reported in individuals affected with autosomal recessive centronuclear myopathy (PMID: 23975875). This variant is also known as c.42665G>A (p.Trp14222*). This premature translational stop signal has been observed in individual(s) with dilated cardiomyopathy (PMID: 25448463). This variant is not present in population databases (gnomAD no frequency). This sequence change creates a premature translational stop signal (p.Trp23287*) in the TTN gene. While this is not anticipated to result in nonsense mediated decay, it is expected to create a truncated TTN protein.

Molecular Diagnostic Laboratory for Inherited Cardiovascular Disease, Montreal Heart Institute
Classification: Likely pathogenic for Cardiovascular phenotype. Last evaluated: 2021-08-12. Review status: criteria provided, single submitter. Criteria: ACMG Guidelines, 2015. Collection method: clinical testing. Allele origin: germline. Affected: yes.

Literature cited by the submitters: PubMed 25589632 (cited by Labcorp Genetics (formerly Invitae), Labcorp); PubMed 23975875 (cited by Labcorp Genetics (formerly Invitae), Labcorp); PubMed 25448463 (cited by Labcorp Genetics (formerly Invitae), Labcorp).